The following is an entry in ClinVar:

ClinVar aggregate classification (germline): Pathogenic/Likely pathogenic. Review status: criteria provided, multiple submitters, no conflicts (2 of 4 stars). 4 submissions from 3 submitters: Pathogenic (1); Likely pathogenic (1). 2 of the submissions do not count toward it. Last evaluated 2026-04-27.
ClinVar aggregate classification (somatic clinical impact): Tier I - Strong (1 of 4 stars; one submission).
ClinVar aggregate classification (oncogenicity): Likely oncogenic (1 of 4 stars; one submission).

Conditions:
Vascular Malformations and Overgrowth.
CLOVES syndrome. Also called: CONGENITAL LIPOMATOUS OVERGROWTH, VASCULAR MALFORMATIONS, AND EPIDERMAL NEVI, SOMATIC; Congenital lipomatous overgrowth, vascular malformations, and epidermal nevi; CLOVE SYNDROME; CONGENITAL LIPOMATOUS OVERGROWTH, VASCULAR MALFORMATIONS, EPIDERMAL NEVI, AND SKELETAL/SPINAL ABNORMALITIES; Congenital Lipomatous Overgrowth, Vascular Malformations, Epidermal Nevi, Scoliosis/Skeletal and Spinal (CLOVES) Syndrome; CLOVES. Identifiers: Orphanet 140944, MedGen C2752042, MONDO:0013038, OMIM 612918. Disease mechanism: gain of function.
Diffuse pediatric-type high-grade glioma, H3-wildtype and IDH-wildtype. Identifiers: MedGen C5669918, MONDO:0858939.
Neoplasm. Also called: Neoplasms; Neoplasm (disease); tumor. Identifiers: MedGen C0027651, MeSH D009369, MONDO:0005070, HP:0002664.

Submissions (6):

Center for Genomic Medicine, Rigshospitalet, Copenhagen University Hospital
Classification: Likely oncogenic for Neoplasm. Last evaluated: 2026-10-16. Review status: criteria provided, single submitter. Criteria: ClinGen/CGC/VICC Guidelines for Oncogenicity, 2022. Collection method: clinical testing. Allele origin: somatic. Affected: yes.

Clinical Genomics Laboratory, Washington University in St. Louis
Classification: Pathogenic. Last evaluated: 2026-04-27. Review status: criteria provided, single submitter. Criteria: Leon-Quintero et al. (Clin Genet. 2025). Collection method: clinical testing. Allele origin: somatic.
Comment: A PIK3R1c.1699A>G (p.Lys567Glu) variant was identified at an allelic fraction consistent with somatic origin. It has been reported in the ClinVar database as a germline pathogenic/ likely pathogenic variant by two submitters (Variation ID: 996075). It is absent from the general population (gnomAD v4.1.1), indicating it is not a common variant. This variant resides within a region, the inter-SH2 (iSH2) domain, of PIK3R1 that is defined as a critical functional domain (Dsouza NR et al., PMID: 38541623). Functional studies using an immunofluorescence assay to examine the activation of the AKT pathway show that the AKT pathway was activated in skin biopsy of a patient with vascular malformations and overgrowth. Transfection of HeLa cells with this variant resulted in an increase in AKT phosphorylation (signifying activation of the AKT pathway) that was suppressed by Alpelisib, indicating that it impacts protein function (Morin G et al., PMID: 40389643). Based on available information and an internally developed protocol informed by the ACMG/AMP guidelines for variant interpretation and gene-specific practices from the ClinGen Criteria Specification Registry (Leon-Quintero FZ et al., PMID: 39434542), the PIK3R1 c.1699A>G (p.Lys567Glu) variant is classified as pathogenic.

Institute for Genomic Medicine (IGM) Clinical Laboratory, Nationwide Children's Hospital
Classification: Tier I - Strong for Diffuse pediatric-type high-grade glioma, H3-wildtype and IDH-wildtype. Assertion type: diagnostic. Clinical significance: supports diagnosis. Last evaluated: 2025-07-09. Review status: criteria provided, single submitter. Criteria: AMP/ASCO/CAP Guidelines, 2017. Collection method: clinical testing. Allele origin: somatic. Affected: yes.
Comment: Variant has Tier I (strong) clinical significance as a diagnostic inclusion criterion in diffuse pediatric-type high-grade glioma, H3-wildtype and IDH-wildtype, based on the following evidence: 1) Documented in one or more cancer databases (e.g., St. Jude Pecan, COSMIC, CIViC, OncoKB). 2) Appears in one or more well-established professional guidelines (e.g., World Health Organization [WHO]; National Comprehensive Cancer Network [NCCN]) as providing diagnostic, prognostic, or therapeutic information. 3) Information in the literature supports potential biologic effect of variant (PMIDs: 26718977, 20713702). 4) Diagnostic for a specific tumor type/classification based on well-powered studies with expert-level consensus (Evidence Level B; PMIDs: 24120142, 30333046, 30710203, 28912153, 28966033, 35332262).

Department of Clinical Genetics, Copenhagen University Hospital, Rigshospitalet
Classification: Likely pathogenic for CLOVES syndrome. Last evaluated: 2021-08-01. Review status: criteria provided, single submitter. Criteria: ACMG Guidelines, 2015. Collection method: clinical testing. Allele origin: de novo. Affected: yes.

Department of Clinical Genetics, Copenhagen University Hospital, Rigshospitalet
Classification: Pathogenic for Vascular Malformations and Overgrowth. Last evaluated: 2022-05-26. Review status: no assertion criteria provided. Collection method: clinical testing. Allele origin: somatic. Inheritance: Somatic mutation. Affected: yes. Not counted in ClinVar's aggregate classification.
Comment: The c.1699A>G, p.(Lys567Glu) missense variant in PIK3R1 is a recurrent variant in segmental overgrowth syndromes, where it has been described in mosaic form (Cottrell CE, et al., 2021; Schönewolf-Greulich B and Karstensen HK et al., 2022). Furthermore, it was present in 5% in amniocentesis, and absent in DNA derived from blood (Schönewolf-Greulich B and Karstensen HK et al., 2022).

Institute for Genomic Medicine (IGM) Clinical Laboratory, Nationwide Children's Hospital
Classification: Pathogenic for Vascular Malformations and Overgrowth. Last evaluated: 2020-11-08. Review status: no assertion criteria provided. Collection method: research. Allele origin: somatic. Affected: yes. Not counted in ClinVar's aggregate classification.
Comment: This alteration is both well-represented in cancer as identified in the COSMIC database with >=20 documented instances and also considered to occur in a statistically significant hotspot or region according to an online resource database [PS_CANCER], is of apparent somatic mosaic etiology with strong supporting evidence including no discernible strand bias, in a region absent of repetition and sequence homology, with clean, high-quality reads, having a variant allele fraction >= 3% [PS2], is at increased prevalence in our cohort, with >= 3 occurrences in unrelated individuals [PS4_Sup], and is a missense variant in a gene that has a low rate of benign missense variation and in which missense variants are a common mechanism of disease [PP2].

Literature cited by the submitters: PubMed 26718977 (cited by Institute for Genomic Medicine (IGM) Clinical Laboratory, Nationwide Children's Hospital); PubMed 20713702 (cited by Institute for Genomic Medicine (IGM) Clinical Laboratory, Nationwide Children's Hospital); PubMed 24120142 (cited by Institute for Genomic Medicine (IGM) Clinical Laboratory, Nationwide Children's Hospital); PubMed 30333046 (cited by Institute for Genomic Medicine (IGM) Clinical Laboratory, Nationwide Children's Hospital); PubMed 30710203 (cited by Institute for Genomic Medicine (IGM) Clinical Laboratory, Nationwide Children's Hospital); PubMed 28912153 (cited by Institute for Genomic Medicine (IGM) Clinical Laboratory, Nationwide Children's Hospital); PubMed 28966033 (cited by Institute for Genomic Medicine (IGM) Clinical Laboratory, Nationwide Children's Hospital); PubMed 35332262 (cited by Institute for Genomic Medicine (IGM) Clinical Laboratory, Nationwide Children's Hospital); PubMed 34040190 (cited by Department of Clinical Genetics, Copenhagen University Hospital, Rigshospitalet).

NM_181523.3(PIK3R1):c.1699A>G (p.Lys567Glu)

Gene: PIK3R1 (phosphoinositide-3-kinase regulatory subunit 1; plus strand). Cytogenetic location: 5q13.1.
Variant type: single nucleotide variant.
Coding change: c.1699A>G on transcript NM_181523.3 (MANE Select); coding-DNA position 1699, A replaced by G.
Protein change: p.Lys567Glu; replaces lysine 567 with glutamic acid.
Molecular consequence: missense variant.
Genome position (GRCh38, 1-based): chr5:68,295,278, A>G. VCF-style: chr5-68295278-A-G. GRCh37 (hg19) VCF-style: chr5-67591106-A-G.
Other names: c.1699A>G (NM_181523.2); c.610A>G, p.Lys204Glu (NM_001242466.2); c.889A>G, p.Lys297Glu (NM_181504.4); c.799A>G, p.Lys267Glu (NM_181524.2); short protein forms K204E, K267E, K297E, K567E.
Identifiers: ClinVar variation 996075 (VCV000996075.14), dbSNP rs1747645807, ClinGen allele CA359883057.